The following is an entry in ClinVar:

NM_006258.4(PRKG1):c.1034A>C (p.Asp345Ala)

Gene: PRKG1 (protein kinase cGMP-dependent 1; plus strand). Cytogenetic location: 10q21.1.
Variant type: single nucleotide variant.
Coding change: c.1034A>C on transcript NM_006258.4 (MANE Select); coding-DNA position 1034, A replaced by C.
Protein change: p.Asp345Ala; replaces aspartic acid 345 with alanine.
Molecular consequence: missense variant. On other transcripts: 5 prime UTR variant (1).
Genome position (GRCh38, 1-based): chr10:52,161,921, A>C. VCF-style: chr10-52161921-A-C. GRCh37 (hg19) VCF-style: chr10-53921681-A-C.
Other names: c.989A>C, p.Asp330Ala (NM_001098512.3); c.-176A>C (NM_001374781.1); short protein forms D345A, D330A.
Identifiers: ClinVar variation 2084332 (VCV002084332.4), dbSNP rs762516088, ClinGen allele CA376534503.

ClinVar aggregate classification (germline): Uncertain significance (1 of 4 stars; one submission).

Conditions:
Aortic aneurysm, familial thoracic 8 (AAT8). Identifiers: MedGen C3809513, MONDO:0014187, OMIM 615436.

Submission:

Labcorp Genetics (formerly Invitae), Labcorp
Classification: Uncertain significance for Aortic aneurysm, familial thoracic 8. Last evaluated: 2022-01-15. Review status: criteria provided, single submitter. Criteria: Invitae Variant Classification Sherloc (09022015). Collection method: clinical testing. Allele origin: germline.
Comment: This variant is not present in population databases (gnomAD no frequency). This variant has not been reported in the literature in individuals affected with PRKG1-related conditions. Algorithms developed to predict the effect of missense changes on protein structure and function (SIFT, PolyPhen-2, Align-GVGD) all suggest that this variant is likely to be tolerated. In summary, the available evidence is currently insufficient to determine the role of this variant in disease. Therefore, it has been classified as a Variant of Uncertain Significance. This sequence change replaces aspartic acid, which is acidic and polar, with alanine, which is neutral and non-polar, at codon 345 of the PRKG1 protein (p.Asp345Ala).